The following is an entry in ClinVar:

ClinVar aggregate classification (germline): Uncertain significance. Review status: criteria provided, multiple submitters, no conflicts (2 of 4 stars). 2 submissions from 2 submitters: Uncertain significance (2). Last evaluated 2025-11-05.

Conditions:
Developmental and epileptic encephalopathy, 27 (DEE27). Also called: GRIN2B-Related Neurodevelopmental Disorder; Epileptic encephalopathy, early infantile, 27. Identifiers: Orphanet 3451, MedGen C4015316, MONDO:0014505, OMIM 616139.
Intellectual developmental disorder, autosomal dominant 6, with or without seizures. Also called: Intellectual disability, autosomal dominant 6; GRIN2B-related developmental delay, intellectual disability and autism spectrum disorder. Identifiers: Orphanet 589547, MedGen C3151411, MONDO:0013509, OMIM 613970.

Allele frequency attached by ClinVar (database versions not stated): gnomAD exomes 0.00002; ExAC 0.00002.
gnomAD v4.1: 13 of 1,614,100 alleles (0.00081%); highest among the groups gnomAD compares: Middle Eastern, 0.016%; no homozygotes.

Submissions (2):

Labcorp Genetics (formerly Invitae), Labcorp
Classification: Uncertain significance for Developmental and epileptic encephalopathy, 27; Intellectual developmental disorder, autosomal dominant 6, with or without seizures. Last evaluated: 2025-11-05. Review status: criteria provided, single submitter. Criteria: Invitae Variant Classification Sherloc (09022015). Collection method: clinical testing. Allele origin: germline.
Comment: This sequence change replaces arginine, which is basic and polar, with histidine, which is basic and polar, at codon 1216 of the GRIN2B protein (p.Arg1216His). This variant is present in population databases (rs757636470, gnomAD 0.006%). This variant has not been reported in the literature in individuals affected with GRIN2B-related conditions. ClinVar contains an entry for this variant (Variation ID: 1023312). Invitae Evidence Modeling of protein sequence and biophysical properties (such as structural, functional, and spatial information, amino acid conservation, physicochemical variation, residue mobility, and thermodynamic stability) indicates that this missense variant is not expected to disrupt GRIN2B protein function with a negative predictive value of 95%. In summary, the available evidence is currently insufficient to determine the role of this variant in disease. Therefore, it has been classified as a Variant of Uncertain Significance.

Fulgent Genetics
Classification: Uncertain significance for Intellectual developmental disorder, autosomal dominant 6, with or without seizures; Developmental and epileptic encephalopathy, 27. Last evaluated: 2022-05-04. Review status: criteria provided, single submitter. Criteria: ACMG Guidelines, 2015. Collection method: clinical testing. Allele origin: unknown.

NM_000834.5(GRIN2B):c.3647G>A (p.Arg1216His)

Gene: GRIN2B (glutamate ionotropic receptor NMDA type subunit 2B; minus strand). Cytogenetic location: 12p13.1.
Variant type: single nucleotide variant.
Coding change: c.3647G>A on transcript NM_000834.5 (MANE Select); coding-DNA position 3647, G replaced by A.
Protein change: p.Arg1216His; replaces arginine 1216 with histidine.
Molecular consequence: missense variant.
Genome position (GRCh38, 1-based): chr12:13,563,591, C>T on the plus strand (G>A on the coding strand, the complement: GRIN2B is on the minus strand). VCF-style: chr12-13563591-C-T. GRCh37 (hg19) VCF-style: chr12-13716525-C-T.
Other names: short protein forms R1216H.
Identifiers: ClinVar variation 1023312 (VCV001023312.10), dbSNP rs757636470, ClinGen allele CA6460865.
Genomic context (GRCh38, chr12:13,563,591, plus strand): 5'-CTGCCCGAGTTCTGACCCGTCACCGTCGTGGAGTAGTTGTGCAGCTTGGAGGGACAGCTG[C>T]GGCAGAAGTTGCCCCCGGACCGGTCCTCCCACTCCACGTTGGTCAGGTTCTTCTCCCAAG-3'
Protein context (NP_000825.2, residues 1206-1226): WEDRSGGNFC[Arg1216His]SCPSKLHNYS